The following is an entry in ClinVar:

NM_003047.5(SLC9A1):c.1894C>T (p.Arg632Cys)

Gene: SLC9A1 (solute carrier family 9 member A1; minus strand). Cytogenetic location: 1p36.11.
Variant type: single nucleotide variant.
Coding change: c.1894C>T on transcript NM_003047.5 (MANE Select); coding-DNA position 1894, C replaced by T.
Protein change: p.Arg632Cys; replaces arginine 632 with cysteine.
Molecular consequence: missense variant. On other transcripts: non-coding transcript variant (1).
Genome position (GRCh38, 1-based): chr1:27,102,057, G>A on the plus strand (C>T on the coding strand, the complement: SLC9A1 is on the minus strand). VCF-style: chr1-27102057-G-A. GRCh37 (hg19) VCF-style: chr1-27428548-G-A.
Other names: short protein forms R632C.
Identifiers: ClinVar variation 2096042 (VCV002096042.4), dbSNP rs1309855858, ClinGen allele CA339180927.

ClinVar aggregate classification (germline): Uncertain significance (1 of 4 stars; one submission).

Allele frequency attached by ClinVar (database versions not stated): gnomAD exomes below 0.00001.
gnomAD v4.1: 6 of 1,614,012 alleles (0.00037%); highest among the groups gnomAD compares: Non-Finnish European, 0.00051%; no homozygotes.

Submission:

Labcorp Genetics (formerly Invitae), Labcorp
Classification: Uncertain significance. Last evaluated: 2022-07-25. Review status: criteria provided, single submitter. Criteria: Invitae Variant Classification Sherloc (09022015). Collection method: clinical testing. Allele origin: germline.
Comment: This sequence change replaces arginine, which is basic and polar, with cysteine, which is neutral and slightly polar, at codon 632 of the SLC9A1 protein (p.Arg632Cys). This variant is present in population databases (no rsID available, gnomAD 0.002%). In summary, the available evidence is currently insufficient to determine the role of this variant in disease. Therefore, it has been classified as a Variant of Uncertain Significance. Algorithms developed to predict the effect of missense changes on protein structure and function are either unavailable or do not agree on the potential impact of this missense change (SIFT: "Deleterious"; PolyPhen-2: "Probably Damaging"; Align-GVGD: "Class C0"). This variant has not been reported in the literature in individuals affected with SLC9A1-related conditions.